The following is an entry in ClinVar:

ClinVar aggregate classification (germline): Uncertain significance. Review status: criteria provided, multiple submitters, no conflicts (2 of 4 stars). 3 submissions from 3 submitters: Uncertain significance (3). Last evaluated 2024-01-05.

Conditions:
Developmental and epileptic encephalopathy, 18 (DEE18). Also called: Early infantile epileptic encephalopathy 18. Identifiers: Orphanet 369894, MedGen C3809624, MONDO:0014201, OMIM 615476.

Allele frequency attached by ClinVar (database versions not stated): gnomAD 0.00001 and 0.00002; TOPMed 0.00002; 1000 Genomes Project 0.00040; 1000 Genomes Project 30x 0.00047.
gnomAD v4.1: 19 of 1,614,082 alleles (0.0012%); highest among the groups gnomAD compares: Admixed American, 0.03%; no homozygotes.

Submissions (3):

Women's Health and Genetics/Laboratory Corporation of America, LabCorp
Classification: Uncertain significance. Last evaluated: 2024-01-05. Review status: criteria provided, single submitter. Criteria: LabCorp Variant Classification Summary - May 2015. Collection method: clinical testing. Allele origin: germline.
Comment: Variant summary: SZT2 c.2533C>G (p.Leu845Val) results in a conservative amino acid change in the encoded protein sequence. Three of five in-silico tools predict a benign effect of the variant on protein function. The variant allele was found at a frequency of 1.6e-05 in 251422 control chromosomes (gnomAD). The available data on variant occurrences in the general population are insufficient to allow any conclusion about variant significance. To our knowledge, no occurrence of c.2533C>G in individuals affected with Early Infantile Epileptic Encephalopathy 18 and no experimental evidence demonstrating its impact on protein function have been reported. ClinVar contains an entry for this variant (Variation ID: 655245). Based on the evidence outlined above, the variant was classified as uncertain significance.

Genome-Nilou Lab
Classification: Uncertain significance for Developmental and epileptic encephalopathy, 18. Last evaluated: 2023-04-11. Review status: criteria provided, single submitter. Criteria: ACMG Guidelines, 2015. Collection method: clinical testing. Allele origin: germline. Affected: no.

Labcorp Genetics (formerly Invitae), Labcorp
Classification: Uncertain significance. Last evaluated: 2021-08-31. Review status: criteria provided, single submitter. Criteria: Invitae Variant Classification Sherloc (09022015). Collection method: clinical testing. Allele origin: germline.
Comment: This sequence change replaces leucine with valine at codon 845 of the SZT2 protein (p.Leu845Val). The leucine residue is highly conserved and there is a small physicochemical difference between leucine and valine. This variant is present in population databases (rs181729793, ExAC 0.02%). This variant has not been reported in the literature in individuals affected with SZT2-related conditions. Algorithms developed to predict the effect of missense changes on protein structure and function are either unavailable or do not agree on the potential impact of this missense change (SIFT: "Deleterious"; PolyPhen-2: "Probably Damaging"; Align-GVGD: "Class C0"). In summary, the available evidence is currently insufficient to determine the role of this variant in disease. Therefore, it has been classified as a Variant of Uncertain Significance.

NM_001365999.1(SZT2):c.2533C>G (p.Leu845Val)

Gene: SZT2 (SZT2 subunit of KICSTOR complex; plus strand). Cytogenetic location: 1p34.2.
Variant type: single nucleotide variant.
Coding change: c.2533C>G on transcript NM_001365999.1 (MANE Select); coding-DNA position 2533, C replaced by G.
Protein change: p.Leu845Val; replaces leucine 845 with valine.
Molecular consequence: missense variant.
Genome position (GRCh38, 1-based): chr1:43,424,845, C>G. VCF-style: chr1-43424845-C-G. GRCh37 (hg19) VCF-style: chr1-43890516-C-G.
Other names: c.2533C>G, p.Leu845Val (NM_015284.4); short protein forms L845V.
Identifiers: ClinVar variation 655245 (VCV000655245.10), dbSNP rs181729793, ClinGen allele CA808718.
Genomic context (GRCh38, chr1:43,424,845, plus strand): 5'-GTCCGACTTTCTGAAGGATTCCACTTCGCCTGCAGTGGGGAAGGAATCATCAACATGGTT[C>G]TGGAGCTTCCAATTCAGGTACGTGCCATCCCCCATGACACCTCCCTGCCAAGGTCTGTCA-3'
Protein context (NP_001352928.1, residues 835-855): CSGEGIINMV[Leu845Val]ELPIQNEPPG